The following is an entry in ClinVar:

NM_194248.3(OTOF):c.3263del (p.Leu1088fs)

Gene: OTOF (otoferlin; minus strand). Cytogenetic location: 2p23.3.
Variant type: Deletion.
Coding change: c.3263del on transcript NM_194248.3 (MANE Select); coding-DNA position 3263, one base deleted (T; older notation c.3263delT).
Protein change: p.Leu1088fs; shifts the reading frame from leucine 1088.
Molecular consequence: frameshift variant.
Genome position (GRCh38, 1-based): chr2:26,474,538, A deleted on the plus strand (T on the coding strand, the reverse complement: OTOF is on the minus strand). VCF-style (leftmost placement, unchanged base first): chr2-26474537-CA-C. GRCh37 (hg19) VCF-style: chr2-26697405-CA-C.
Other names: c.3263del, p.Leu1088fs (NM_001287489.2); c.1022del, p.Leu341fs (NM_004802.4, NM_194323.3); c.1193del, p.Leu398fs (NM_194322.3); short protein forms L1088fs, L341fs, L398fs.
Identifiers: ClinVar variation 3601516 (VCV003601516.2).
Genomic context (GRCh38, chr2:26,474,537, plus strand): 5'-TCCCCAGGCCTCAGCCCCTCTTCCCTGCAGTCCCACCTGCAGCAGCTCGAAGGCCGCCAG[CA>C]GGTCTCCAGCTGTGGCGTTGCCACGGTAGATCTGGTAGTACTCGAGCTGAGGTGGGAAGC-3'

ClinVar aggregate classification (germline): Likely pathogenic. Review status: criteria provided, single submitter (1 of 4 stars). 2 submissions from 2 submitters: Likely pathogenic (1). 1 of the submissions does not count toward it. Last evaluated 2025-01-09.

Conditions:
Autosomal recessive nonsyndromic hearing loss 9. Also called: NEUROSENSORY NONSYNDROMIC RECESSIVE DEAFNESS 9; OTOF-Related Hearing Loss; Deafness, autosomal recessive 9; AUDITORY NEUROPATHY, AUTOSOMAL RECESSIVE, 1, TEMPERATURE-SENSITIVE. Identifiers: Orphanet 90636, MedGen C1832828, MONDO:0010986, OMIM 601071.

Submissions (2):

Institute of Rare Diseases, West China Hospital, Sichuan University
Classification: Likely pathogenic for Autosomal recessive nonsyndromic hearing loss 9. Last evaluated: 2025-01-09. Review status: criteria provided, single submitter. Criteria: ClinGen HL ACMG Specifications v1. Collection method: research. Allele origin: germline. Affected: yes.
Comment: PVS1;PM2_Supporting

Diagnosis and Treatment Center of Genetic Hearing Loss, Eye & ENT Hospital of Fudan University
Classification: Pathogenic for Autosomal recessive nonsyndromic hearing loss 9. Last evaluated: 2026-02-04. Review status: no assertion criteria provided. Collection method: clinical testing. Allele origin: germline. Inheritance: Autosomal recessive inheritance. Affected: yes. Not counted in ClinVar's aggregate classification.
Comment: The c.3263del frameshift variant in OTOF leads to a premature stop codon and predicted NMD (PVS1). It is absent from population databases (PM2_Supporting). It was found in trans with pathogenic c.3679C>T (PM3). The phenotype is consistent with auditory neuropathy (PP4).